The following is an entry in ClinVar:

NM_000069.3(CACNA1S):c.3998G>A (p.Ser1333Asn)

Gene: CACNA1S (calcium voltage-gated channel subunit alpha1 S; minus strand). Cytogenetic location: 1q32.1.
Variant type: single nucleotide variant.
Coding change: c.3998G>A on transcript NM_000069.3 (MANE Select); coding-DNA position 3998, G replaced by A.
Protein change: p.Ser1333Asn; replaces serine 1333 with asparagine.
Molecular consequence: missense variant.
Genome position (GRCh38, 1-based): chr1:201,051,099, C>T on the plus strand (G>A on the coding strand, the complement: CACNA1S is on the minus strand). VCF-style: chr1-201051099-C-T. GRCh37 (hg19) VCF-style: chr1-201020227-C-T.
Other names: short protein forms S1333N.
Identifiers: ClinVar variation 575619 (VCV000575619.10), dbSNP rs1030338556, ClinGen allele CA36001569.
Genomic context (GRCh38, chr1:201,051,099, plus strand): 5'-CCACATGTGTACTCCTCCCCTGGGGCATAGTCCGACTCTGGGTCACACAGCTTCCCATAG[C>T]TGCAGGCCAGTAGGATCTCCTGCCAGGCCTCACCTGTTGCACACCTAGAGGACAGAAGAG-3'
Protein context (NP_000060.2, residues 1323-1343): EAWQEILLAC[Ser1333Asn]YGKLCDPESD

ClinVar aggregate classification (germline): Uncertain significance. Review status: criteria provided, multiple submitters, no conflicts (2 of 4 stars). 9 submissions from 6 submitters: Uncertain significance (9). Last evaluated 2024-05-31.

Conditions:
Congenital myopathy 18. Also called: Myopathy, congenital, due to dihydropyridine receptor defect; DIHYDROPYRIDINE RECEPTOR CONGENITAL MYOPATHY; DHPR CONGENITAL MYOPATHY. Identifiers: MedGen C5830283, MONDO:0859514, OMIM 620246.
Hypokalemic periodic paralysis, type 1. Also called: Hypokalemic Periodic Paralysis Type 1 (AD); HypoPP. Identifiers: Orphanet 681, MedGen C3714580, MONDO:0042979, OMIM 170400.
Malignant hyperthermia, susceptibility to, 5 (MHS5). Also called: CACNA1S-Related Malignant Hyperthermia Susceptibility. Identifiers: Orphanet 423, MedGen C1866077, MONDO:0011163, OMIM 601887.
Thyrotoxic periodic paralysis, susceptibility to, 1 (TTPP1). Identifiers: Orphanet 79102, MedGen C2749982, MONDO:0008570, OMIM 188580.

Allele frequency attached by ClinVar (database versions not stated): gnomAD exomes below 0.00001; gnomAD 0.00001; TOPMed 0.00002.
gnomAD v4.1: 4 of 1,614,140 alleles (0.00025%); highest among the groups gnomAD compares: East Asian, 0.0045%; no homozygotes.

Submissions (9):

All of Us Research Program, National Institutes of Health
Classification: Uncertain significance for Malignant hyperthermia, susceptibility to, 5. Last evaluated: 2024-05-31. Review status: criteria provided, single submitter. Criteria: ACMG Guidelines, 2015. Collection method: clinical testing. Allele origin: germline. Inheritance: Autosomal dominant inheritance. Observed: 6 variant alleles, 5 heterozygotes, 1 homozygote.
Comment: This missense variant replaces serine with asparagine at codon 1333 of the CACNA1S protein. Computational prediction suggests that this variant may not impact protein structure and function (internally defined REVEL score threshold <= 0.5, PMID: 27666373). To our knowledge, functional studies have not been reported for this variant. This variant has not been reported in individuals affected with CACNA1S-related disorders in the literature. This variant has been identified in 1/251492 chromosomes in the general population by the Genome Aggregation Database (gnomAD). The available evidence is insufficient to determine the role of this variant in disease conclusively. Therefore, this variant is classified as a Variant of Uncertain Significance.

This study involves interpretation of variants in research participants for the purpose of population health screening. Participant phenotype was not available at the time of variant classification. Additional details can be found in publication PMID: 35346344, PMCID: PMC8962531

Color Diagnostics, LLC DBA Color Health
Classification: Uncertain significance for Malignant hyperthermia, susceptibility to, 5. Last evaluated: 2024-02-20. Review status: criteria provided, single submitter. Criteria: ACMG Guidelines, 2015. Collection method: clinical testing. Allele origin: germline.
Comment: This missense variant replaces serine with asparagine at codon 1333 of the CACNA1S protein. Computational prediction suggests that this variant may not impact protein structure and function. To our knowledge, functional studies have not been reported for this variant. This variant has not been reported in individuals affected with CACNA1S-related disorders in the literature. This variant has been identified in 1/251492 chromosomes in the general population by the Genome Aggregation Database (gnomAD). The available evidence is insufficient to determine the role of this variant in disease conclusively. Therefore, this variant is classified as a Variant of Uncertain Significance.

Labcorp Genetics (formerly Invitae), Labcorp
Classification: Uncertain significance for Hypokalemic periodic paralysis, type 1; Malignant hyperthermia, susceptibility to, 5. Last evaluated: 2024-02-12. Review status: criteria provided, single submitter. Criteria: Invitae Variant Classification Sherloc (09022015). Collection method: clinical testing. Allele origin: germline.
Comment: This sequence change replaces serine, which is neutral and polar, with asparagine, which is neutral and polar, at codon 1333 of the CACNA1S protein (p.Ser1333Asn). This variant is present in population databases (no rsID available, gnomAD no frequency). This variant has not been reported in the literature in individuals affected with CACNA1S-related conditions. ClinVar contains an entry for this variant (Variation ID: 575619). Advanced modeling of protein sequence and biophysical properties (such as structural, functional, and spatial information, amino acid conservation, physicochemical variation, residue mobility, and thermodynamic stability) performed at Invitae indicates that this missense variant is not expected to disrupt CACNA1S protein function with a negative predictive value of 80%. In summary, the available evidence is currently insufficient to determine the role of this variant in disease. Therefore, it has been classified as a Variant of Uncertain Significance.

Genome-Nilou Lab
Classification: Uncertain significance for Malignant hyperthermia, susceptibility to, 5. Last evaluated: 2023-04-11. Review status: criteria provided, single submitter. Criteria: ACMG Guidelines, 2015. Collection method: clinical testing. Allele origin: germline. Affected: no.

Genome-Nilou Lab
Classification: Uncertain significance for Thyrotoxic periodic paralysis, susceptibility to, 1. Last evaluated: 2023-04-11. Review status: criteria provided, single submitter. Criteria: ACMG Guidelines, 2015. Collection method: clinical testing. Allele origin: germline. Affected: no.

Genome-Nilou Lab
Classification: Uncertain significance for Congenital myopathy 18. Last evaluated: 2023-04-11. Review status: criteria provided, single submitter. Criteria: ACMG Guidelines, 2015. Collection method: clinical testing. Allele origin: germline. Affected: no.

Genome-Nilou Lab
Classification: Uncertain significance for Hypokalemic periodic paralysis, type 1. Last evaluated: 2023-04-11. Review status: criteria provided, single submitter. Criteria: ACMG Guidelines, 2015. Collection method: clinical testing. Allele origin: germline. Affected: no.

GeneDx
Classification: Uncertain significance. Last evaluated: 2023-03-30. Review status: criteria provided, single submitter. Criteria: GeneDx Variant Classification Process June 2021. Collection method: clinical testing. Allele origin: germline. Affected: yes.
Comment: Not observed at significant frequency in large population cohorts (gnomAD); In silico analysis supports that this missense variant does not alter protein structure/function; Has not been previously published as pathogenic or benign to our knowledge

Fulgent Genetics
Classification: Uncertain significance for Hypokalemic periodic paralysis, type 1; Thyrotoxic periodic paralysis, susceptibility to, 1; Malignant hyperthermia, susceptibility to, 5. Last evaluated: 2021-12-16. Review status: criteria provided, single submitter. Criteria: ACMG Guidelines, 2015. Collection method: clinical testing. Allele origin: unknown.